The following is an entry in ClinVar:

NM_014141.6(CNTNAP2):c.3397_3399del (p.Ser1133del)

Gene: CNTNAP2 (contactin associated protein 2; plus strand). Cytogenetic location: 7q36.1.
Variant type: Deletion.
Coding change: c.3397_3399del on transcript NM_014141.6 (MANE Select); coding-DNA positions 3397 to 3399, 3 bases deleted (TCT; older notation c.3397_3399delTCT).
Protein change: p.Ser1133del; deletes serine 1133.
Molecular consequence: inframe deletion.
Genome position (GRCh38, 1-based): chr7:148,267,048-148,267,050, TCT deleted; deleting any 3 consecutive bases within chr7:148,267,046-148,267,050 gives the same sequence; the c. name uses the placement nearest the transcript's 3' end. VCF-style (leftmost placement, unchanged base first): chr7-148267045-CCTT-C. GRCh37 (hg19) VCF-style: chr7-147964137-CCTT-C.
Other names: short protein forms S1133del.
Identifiers: ClinVar variation 965078 (VCV000965078.10), dbSNP rs1303107441, ClinGen allele CA578877593.

ClinVar aggregate classification (germline): Uncertain significance (1 of 4 stars; one submission).

Conditions:
Cortical dysplasia-focal epilepsy syndrome (PTHSL1). Also called: Pitt-Hopkins-like syndrome 1. Identifiers: Orphanet 163681, Orphanet 221150, MedGen C2750246, MONDO:0012400, OMIM 610042.

Submission:

Labcorp Genetics (formerly Invitae), Labcorp
Classification: Uncertain significance for Cortical dysplasia-focal epilepsy syndrome. Last evaluated: 2019-11-15. Review status: criteria provided, single submitter. Criteria: Invitae Variant Classification Sherloc (09022015). Collection method: clinical testing. Allele origin: germline.
Comment: This variant is not present in population databases (ExAC no frequency). In summary, the available evidence is currently insufficient to determine the role of this variant in disease. Therefore, it has been classified as a Variant of Uncertain Significance. Algorithms developed to predict the effect of sequence changes on RNA splicing suggest that this variant may create or strengthen a splice site, but this prediction has not been confirmed by published transcriptional studies. This variant has not been reported in the literature in individuals with CNTNAP2-related conditions. This variant, c.3397_3399del, results in the deletion of 1 amino acid(s) of the CNTNAP2 protein (p.Ser1133del), but otherwise preserves the integrity of the reading frame.